The following is an entry in ClinVar:

NM_006950.3(SYN1):c.1813A>C (p.Ser605Arg)

Gene: SYN1 (synapsin I; minus strand). Cytogenetic location: Xp11.3.
Variant type: single nucleotide variant.
Coding change: c.1813A>C on transcript NM_006950.3 (MANE Select); coding-DNA position 1813, A replaced by C.
Protein change: p.Ser605Arg; replaces serine 605 with arginine.
Molecular consequence: missense variant.
Genome position (GRCh38, 1-based): chrX:47,574,171, T>G on the plus strand (A>C on the coding strand, the complement: SYN1 is on the minus strand). VCF-style: chrX-47574171-T-G. GRCh37 (hg19) VCF-style: chrX-47433570-T-G.
Other names: c.1813A>C, p.Ser605Arg (NM_133499.2); short protein forms S605R.
Identifiers: ClinVar variation 2662200 (VCV002662200.2), dbSNP rs2519684643, ClinGen allele CA412822493.
Genomic context (GRCh38, chrX:47,574,171, plus strand): 5'-CGCTGGGCCGAGGCTGCTGCGTGGTGGGTGGCCCAGTGCGGGGCACGGGACCCGCCTGGC[T>G]GGCCTGGCGTGTGGGGCCGGCTGGGCCTGGGGGTTTCTGGGGCGGGCCCTGGCGCTGCTG-3'
Protein context (NP_008881.2, residues 595-615): PGPAGPTRQA[Ser605Arg]QAGPVPRTGP

ClinVar aggregate classification (germline): Uncertain significance (1 of 4 stars; one submission).

Allele frequency attached by ClinVar (database versions not stated): gnomAD exomes below 0.00001.
gnomAD v4.1: 2 of 1,047,958 alleles (0.00019%); highest among the groups gnomAD compares: Non-Finnish European, 0.00024%; no homozygotes.

Submission:

GeneDx
Classification: Uncertain significance. Last evaluated: 2025-07-07. Review status: criteria provided, single submitter. Criteria: GeneDx Variant Classification Process June 2021. Collection method: clinical testing. Allele origin: germline.
Comment: Not observed at significant frequency in large population cohorts (gnomAD); In silico analysis suggests that this missense variant does not alter protein structure/function; Has not been previously published as pathogenic or benign to our knowledge